The following is an entry in ClinVar:

NM_001958.5(EEF1A2):c.1084G>T (p.Asp362Tyr)

Gene: EEF1A2 (eukaryotic translation elongation factor 1 alpha 2; minus strand). Cytogenetic location: 20q13.33.
Variant type: single nucleotide variant.
Coding change: c.1084G>T on transcript NM_001958.5 (MANE Select); coding-DNA position 1084, G replaced by T.
Protein change: p.Asp362Tyr; replaces aspartic acid 362 with tyrosine.
Molecular consequence: missense variant.
Genome position (GRCh38, 1-based): chr20:63,489,098, C>A on the plus strand (G>T on the coding strand, the complement: EEF1A2 is on the minus strand). VCF-style: chr20-63489098-C-A. GRCh37 (hg19) VCF-style: chr20-62120451-C-A.
Other names: short protein forms D362Y.
Identifiers: ClinVar variation 1787343 (VCV001787343.2), dbSNP rs2082366618, ClinGen allele CA409644967.
Genomic context (GRCh38, chr20:63,489,098, plus strand): 5'-GCCGGTCAATCTTCTCCTTCAGCTCCGCAAACTTGCAGGCGATGTGGGCTGTGTGGCAGT[C>A]GATGACCGGGGAGTAGCCGGCGCTAATCTGCCCCGGGTGGTTCAGGATGATGACCTGCGA-3'
Protein context (NP_001949.1, residues 352-372): QISAGYSPVI[Asp362Tyr]CHTAHIACKF

ClinVar aggregate classification (germline): Likely pathogenic (1 of 4 stars; one submission).

Conditions:
Inborn genetic diseases. Identifiers: MedGen C0950123, MeSH D030342.

Submission:

Ambry Genetics
Classification: Likely pathogenic for Inborn genetic diseases. Last evaluated: 2017-08-24. Review status: criteria provided, single submitter. Criteria: Ambry Variant Classification Scheme 2023. Collection method: clinical testing. Allele origin: germline.
Comment: The p.D362Y variant (also known as c.1084G>T), located in coding exon 6 of the EEF1A2 gene, results from a G to T substitution at nucleotide position 1084. The aspartic acid at codon 362 is replaced by tyrosine, an amino acid with highly dissimilar properties. Based on our internal structural analysis, D362Y likely disrupts the protein-tRNA interaction that is critical for translation (Nissen P et al. Science, 1995 Dec;270:1464-72; Wang Y et al. Nat. Struct. Biol., 1997 Aug;4:650-6). This amino acid position is highly conserved in available vertebrate species. In addition, this alteration is predicted to be deleterious by in silico analysis. Based on the majority of available evidence to date, this variant is likely to be pathogenic.

Literature cited by the submitters: PubMed 7491491; PubMed 9253415.